The following is an entry in ClinVar:

ClinVar aggregate classification (germline): Uncertain significance (1 of 4 stars; one submission).

Conditions:
Alstrom syndrome (ALMS). Identifiers: Orphanet 64, MedGen C0268425, MONDO:0008763, OMIM 203800.

Submission:

Labcorp Genetics (formerly Invitae), Labcorp
Classification: Uncertain significance for Alstrom syndrome. Last evaluated: 2021-09-06. Review status: criteria provided, single submitter. Criteria: Invitae Variant Classification Sherloc (09022015). Collection method: clinical testing. Allele origin: germline.
Comment: In summary, the available evidence is currently insufficient to determine the role of this variant in disease. Therefore, it has been classified as a Variant of Uncertain Significance. Experimental studies and prediction algorithms are not available or were not evaluated, and the functional significance of this variant is currently unknown. This variant has not been reported in the literature in individuals affected with ALMS1-related conditions. This variant is not present in population databases (ExAC no frequency). This variant, c.8563_8583del, results in the deletion of 7 amino acid(s) of the ALMS1 protein (p.Leu2855_Ser2861del), but otherwise preserves the integrity of the reading frame.

NM_001378454.1(ALMS1):c.8560_8580del (p.Leu2854_Ser2860del)

Gene: ALMS1 (ALMS1 centrosome and basal body associated protein; plus strand). Cytogenetic location: 2p13.1.
Variant type: Deletion.
Coding change: c.8560_8580del on transcript NM_001378454.1 (MANE Select); coding-DNA positions 8560 to 8580, 21 bases deleted (CTAGGAGTAAACAGATCGAGT).
Protein change: p.Leu2854_Ser2860del.
Molecular consequence: inframe deletion.
Genome position (GRCh38, 1-based): chr2:73,490,519-73,490,539, CTAGGAGTAAACAGATCGAGT deleted. VCF-style (leftmost placement, unchanged base first): chr2-73490518-CCTAGGAGTAAACAGATCGAGT-C. GRCh37 (hg19) VCF-style: chr2-73717645-CCTAGGAGTAAACAGATCGAGT-C.
Other names: c.8563_8583del, p.Leu2855_Ser2861del (NM_015120.4).
Identifiers: ClinVar variation 1517716 (VCV001517716.8), dbSNP rs2103892286, ClinGen allele CA2573135766.